The following is an entry in ClinVar:

NM_000384.3(APOB):c.905-16A>C

Gene: APOB (apolipoprotein B; minus strand). Cytogenetic location: 2p24.1.
Variant type: single nucleotide variant.
Coding change: c.905-16A>C on transcript NM_000384.3 (MANE Select); 16 bases into the intron before coding-DNA position 905, A replaced by C.
Molecular consequence: intron variant.
Genome position (GRCh38, 1-based): chr2:21,033,534, T>G on the plus strand (A>C on the coding strand, the complement: APOB is on the minus strand). VCF-style: chr2-21033534-T-G. GRCh37 (hg19) VCF-style: chr2-21256406-T-G.
Identifiers: ClinVar variation 265877 (VCV000265877.18), dbSNP rs12720810, ClinGen allele CA066237.

ClinVar aggregate classification (germline): Conflicting classifications of pathogenicity. Review status: criteria provided, conflicting classifications (1 of 4 stars). 9 submissions from 9 submitters: Uncertain significance (2); Benign (1); Likely benign (5). 1 of the submissions does not count toward it. Last evaluated 2026-01-27.

Conditions:
Cardiovascular phenotype. Identifiers: MedGen CN230736.
APOB-related disorder. Also called: APOB-related condition; APOB-related disorders.
Familial hypobetalipoproteinemia 1. Also called: APOB-Related Familial Hypobetalipoproteinemia; Hypobetalipoproteinemia, normotriglyceridemic; Acanthocytosis with hypobetalipoproteinemia. Identifiers: MedGen C4551990, MONDO:0014252, OMIM 615558.
Hypercholesterolemia, autosomal dominant, type B (FHCL2). Also called: Familial Hypercholesterolemia Type B; Familial hypercholesterolemia 2; Hyperlipoproteinemia Type IIb; APOLIPOPROTEIN B-100, FAMILIAL DEFECTIVE; APOLIPOPROTEIN B-100, FAMILIAL LIGAND-DEFECTIVE; APOB-Related Familial Hypercholesterolemia, Autosomal Dominant. Identifiers: MedGen C1704417, MONDO:0007751, OMIM 144010.
Hypercholesterolemia, familial, 1. Also called: LDL RECEPTOR DISORDER; Hyperlipoproteinemia Type IIa; HYPER-LOW-DENSITY-LIPOPROTEINEMIA; HYPERCHOLESTEROLEMIC XANTHOMATOSIS, FAMILIAL; Fredrickson type IIa hyperlipoproteinemia; Hyperlipoproteinemia type 2. Identifiers: Orphanet 391665, MedGen C0745103, MONDO:0007750, OMIM 143890.

Allele frequency attached by ClinVar (database versions not stated): 1000 Genomes Project 0.00060; 1000 Genomes Project 30x 0.00078; TOPMed 0.00133; gnomAD exomes 0.00137; ExAC 0.00142; gnomAD 0.00166 and 0.00172; ESP Exome Variant Server 0.00192.
gnomAD v4.1: 3,185 of 1,602,620 alleles (0.2%); highest among the groups gnomAD compares: Non-Finnish European, 0.25%; 4 homozygotes.

Submissions (9):

Labcorp Genetics (formerly Invitae), Labcorp
Classification: Benign for Familial hypobetalipoproteinemia 1; Hypercholesterolemia, autosomal dominant, type B. Last evaluated: 2026-01-27. Review status: criteria provided, single submitter. Criteria: Invitae Variant Classification Sherloc (09022015). Collection method: clinical testing. Allele origin: germline.

ARUP Laboratories, Molecular Genetics and Genomics, ARUP Laboratories
Classification: Likely benign. Last evaluated: 2025-07-16. Review status: criteria provided, single submitter. Criteria: ARUP Molecular Germline Variant Investigation Process 2024. Collection method: clinical testing. Allele origin: germline.

Blueprint Genetics
Classification: Likely benign. Last evaluated: 2024-11-22. Review status: criteria provided, single submitter. Criteria: ACMG Guidelines, 2015. Collection method: clinical testing. Allele origin: germline.

GeneDx
Classification: Likely benign. Last evaluated: 2017-12-07. Review status: criteria provided, single submitter. Criteria: GeneDx Variant Classification (06012015). Collection method: clinical testing. Allele origin: germline. Affected: yes.
Comment: This variant is considered likely benign or benign based on one or more of the following criteria: it is a conservative change, it occurs at a poorly conserved position in the protein, it is predicted to be benign by multiple in silico algorithms, and/or has population frequency not consistent with disease.

Laboratory for Molecular Medicine, Mass General Brigham Personalized Medicine
Classification: Likely benign. Last evaluated: 2017-10-02. Review status: criteria provided, single submitter. Criteria: ACMG Guidelines, 2015. Collection method: clinical testing. Allele origin: germline.
Comment: c.905-16A>C in intron 8 of APOB: This variant is not expected to have clinical significance because it is not located within the splice consensus sequence. It has been identified in 0.25% (312/126620) of European chromosomes by the Genome Aggregation Database (gnomAD; dbSNP rs12720810) and is reported in ClinVar (Variation ID: 265877). ACMG/AMP Criteria applied: BP4 (Richards 2015).

Color Diagnostics, LLC DBA Color Health
Classification: Likely benign for Familial hypercholesterolemia. Last evaluated: 2017-07-07. Review status: criteria provided, single submitter. Criteria: ACMG Guidelines, 2015. Collection method: clinical testing. Allele origin: germline.

Ambry Genetics
Classification: Uncertain significance for Cardiovascular phenotype. Last evaluated: 2017-04-13. Review status: criteria provided, single submitter. Criteria: Ambry Variant Classification Scheme 2023. Collection method: clinical testing. Allele origin: germline.
Comment: The c.905-16A>C intronic alteration consists of a A to C substitution 16 nucleotides before coding exon 9 in the APOB gene. Based on insufficient or conflicting evidence, the clinical significance of this alteration remains unclear.

Cardiovascular Research Group, Instituto Nacional de Saude Doutor Ricardo Jorge
Classification: Uncertain significance for Familial hypercholesterolemia. Last evaluated: 2016-03-01. Review status: criteria provided, single submitter. Criteria: ACMG Guidelines, 2015. Collection method: research. Allele origin: germline. Affected: yes.

PreventionGenetics, part of Exact Sciences
Classification: Likely benign for APOB-related condition. Last evaluated: 2019-04-30. Review status: no assertion criteria provided. Collection method: clinical testing. Allele origin: germline. Not counted in ClinVar's aggregate classification.
Comment: This variant is classified as likely benign based on ACMG/AMP sequence variant interpretation guidelines (Richards et al. 2015 PMID: 25741868, with internal and published modifications).